The following is an entry in ClinVar:

NM_001353921.2(ARHGEF9):c.816-920G>T

Gene: ARHGEF9 (Cdc42 guanine nucleotide exchange factor 9; minus strand). Cytogenetic location: Xq11.1.
Variant type: single nucleotide variant.
Coding change: c.816-920G>T on transcript NM_001353921.2 (MANE Select); 920 bases into the intron before coding-DNA position 816, G replaced by T.
Molecular consequence: intron variant.
Genome position (GRCh38, 1-based): chrX:63,675,087, C>A on the plus strand (G>T on the coding strand, the complement: ARHGEF9 is on the minus strand). VCF-style: chrX-63675087-C-A. GRCh37 (hg19) VCF-style: chrX-62894967-C-A.
Other names: c.636-920G>T (NM_001173479.2); c.816-920G>T (NM_001353922.2); c.732-920G>T (NM_001369043.1, NM_001330495.2, NM_001369038.1 and 8 more transcripts); c.834-920G>T (NM_001353923.1); c.615-920G>T (NM_001369040.1, NM_001369039.1, NM_001353926.2 and 1 more transcripts); c.795-920G>T (NM_001369031.1, NM_001369030.1, NM_001369032.1 and 2 more transcripts); c.381-920G>T (NM_001369045.1); c.489-920G>T (NM_001173480.2, NM_001369042.1).
Identifiers: ClinVar variation 4538227 (VCV004538227.1).
Genomic context (GRCh38, chrX:63,675,087, plus strand): 5'-ATGTTGATGTGATGGCCGAACCTCTGGTAGCCATCTTGGACCATAAGGACAAGGTCAATA[C>A]CCTAGGTATAGGATAGTAGATAGCTGTAGGGTGCTCATGTTTCTGATGACCATGAGGCCA-3'

ClinVar aggregate classification (germline): Uncertain significance (1 of 4 stars; one submission).

gnomAD v4.1: 2 of 111,450 alleles (0.0018%); highest among the groups gnomAD compares: Non-Finnish European, 0.0038%; no homozygotes.

Submission:

Greenwood Genetic Center Diagnostic Laboratories, Greenwood Genetic Center
Classification: Uncertain significance. Last evaluated: 2025-05-08. Review status: criteria provided, single submitter. Criteria: ACMG Guidelines, 2015. Collection method: clinical testing. Allele origin: germline. Affected: yes.
Comment: No Rules Apply